The following is an entry in ClinVar:

ClinVar aggregate classification (germline): Likely benign (0 of 4 stars; one submission).

Conditions:
PLXNA4-related disorder. Also called: PLXNA4-related condition.

gnomAD v4.1: 2 of 1,614,198 alleles (0.00012%); highest among the groups gnomAD compares: Admixed American, 0.0033%; no homozygotes.

Submission:

PreventionGenetics, part of Exact Sciences
Classification: Likely benign for PLXNA4-related condition. Last evaluated: 2024-06-21. Review status: no assertion criteria provided. Collection method: clinical testing. Allele origin: germline.
Comment: This variant is classified as likely benign based on ACMG/AMP sequence variant interpretation guidelines (Richards et al. 2015 PMID: 25741868, with internal and published modifications).

NM_020911.2(PLXNA4):c.2637A>G (p.Arg879=)

Gene: PLXNA4 (plexin A4; minus strand). Cytogenetic location: 7q32.3.
Variant type: single nucleotide variant.
Coding change: c.2637A>G on transcript NM_020911.2 (MANE Select); coding-DNA position 2637, A replaced by G.
Protein change: p.Arg879=; no amino-acid change (arginine 879 retained).
Molecular consequence: synonymous variant.
Genome position (GRCh38, 1-based): chr7:132,198,586, T>C on the plus strand (A>G on the coding strand, the complement: PLXNA4 is on the minus strand). VCF-style: chr7-132198586-T-C. GRCh37 (hg19) VCF-style: chr7-131883345-T-C.
Other names: c.2637A>G, p.Arg879= (NM_001393897.1).
Identifiers: ClinVar variation 3346155 (VCV003346155.1).